The following is an entry in ClinVar:

NM_000059.4(BRCA2):c.8056C>T (p.Leu2686Phe)

Gene: BRCA2 (BRCA2 DNA repair associated; plus strand). Cytogenetic location: 13q13.1.
Variant type: single nucleotide variant.
Coding change: c.8056C>T on transcript NM_000059.4 (MANE Select); coding-DNA position 8056, C replaced by T.
Protein change: p.Leu2686Phe; replaces leucine 2686 with phenylalanine.
Molecular consequence: missense variant.
Genome position (GRCh38, 1-based): chr13:32,363,258, C>T. VCF-style: chr13-32363258-C-T. GRCh37 (hg19) VCF-style: chr13-32937395-C-T.
Other names: short protein forms L2686F.
Identifiers: ClinVar variation 52488 (VCV000052488.14), dbSNP rs397507960, ClinGen allele CA025426.

ClinVar aggregate classification (germline): Uncertain significance. Review status: criteria provided, multiple submitters, no conflicts (2 of 4 stars). 4 submissions from 4 submitters: Uncertain significance (3). 1 of the submissions does not count toward it. Last evaluated 2026-04-03.

Conditions:
BRCA2-related cancer predisposition. Identifiers: MedGen CN377758, MONDO:0700269.
Hereditary cancer-predisposing syndrome. Also called: Neoplastic Syndromes, Hereditary; Hereditary neoplastic syndrome; Tumor predisposition; Hereditary Cancer Syndrome. Identifiers: Orphanet 140162, MedGen C0027672, MeSH D009386, MONDO:0015356.
Hereditary breast ovarian cancer syndrome. Also called: Hereditary breast and/or ovarian cancer syndrome; Hereditary breast and ovarian cancer; Hereditary breast and ovarian cancer syndrome (HBOC); Breast and ovarian cancer; BRCA1- and BRCA2-Associated Hereditary Breast and Ovarian Cancer; Hereditary breast and ovarian cancer syndrome. Identifiers: Orphanet 145, MedGen C0677776, MeSH D061325, MONDO:0003582. Disease mechanism: loss of function.
Familial cancer of breast. Also called: Hereditary breast cancer; hereditary breast carcinoma; BREAST CANCER, FAMILIAL. Identifiers: Orphanet 227535, MedGen C0346153, MONDO:0016419, OMIM 114480. Disease mechanism: loss of function.

Submissions (4):

Ambry Genetics
Classification: Uncertain significance for Hereditary cancer-predisposing syndrome. Last evaluated: 2026-04-03. Review status: criteria provided, single submitter. Criteria: Ambry Variant Classification Scheme 2023. Collection method: clinical testing. Allele origin: germline.
Comment: The p.L2686F variant (also known as c.8056C>T), located in coding exon 17 of the BRCA2 gene, results from a C to T substitution at nucleotide position 8056. The leucine at codon 2686 is replaced by phenylalanine, an amino acid with highly similar properties. Two saturation genome editing-based studies, including a haploid cell-survival assay and a humanized mouse embryonic stem cell line assay of drug response and survival, demonstrate that this nucleotide substitution is functional(Huang H et al. Nature. 2025 Feb;638(8050):528-537; Sahu S et al. Nature. 2025 Feb;638(8050):538-545). Based on internal structural analysis, this variant is anticipated to result in a moderate decrease in structural stability (Ambry internal data). This amino acid position is highly conserved in available vertebrate species. In addition, this alteration is predicted to be deleterious by in silico analysis. Based on the available evidence, the clinical significance of this variant remains unclear.

All of Us Research Program, National Institutes of Health
Classification: Uncertain significance for BRCA2-related cancer predisposition. Last evaluated: 2024-06-08. Review status: criteria provided, single submitter. Criteria: ACMG Guidelines, 2015. Collection method: clinical testing. Allele origin: germline. Inheritance: Autosomal dominant inheritance. Observed: 2 variant alleles, 2 heterozygotes.
Comment: This missense variant replaces leucine with phenylalanine at codon 2686 of the BRCA2 protein. Computational prediction suggests that this variant may have deleterious impact on protein structure and function (internally defined REVEL score threshold >= 0.7, PMID: 27666373). To our knowledge, functional studies have not been reported for this variant. This variant has been reported in an individual affected with ovarian cancer (PMID: 21965345). This variant has not been identified in the general population by the Genome Aggregation Database (gnomAD). A different variant occurring at the same codon, p.Leu2686Pro (c.8057T>C), is a well-documented pathogenic mutation (ClinVar Variation ID: 52489), indicating that leucine at this position is important for BRCA2 protein function. The available evidence is insufficient to determine the role of this variant in disease conclusively. Therefore, this variant is classified as a Variant of Uncertain Significance.

This study involves interpretation of variants in research participants for the purpose of population health screening. Participant phenotype was not available at the time of variant classification. Additional details can be found in publication PMID: 35346344, PMCID: PMC8962531

Labcorp Genetics (formerly Invitae), Labcorp
Classification: Uncertain significance for Hereditary breast ovarian cancer syndrome. Last evaluated: 2018-12-26. Review status: criteria provided, single submitter. Criteria: Invitae Variant Classification Sherloc (09022015). Collection method: clinical testing. Allele origin: germline.
Comment: This sequence change replaces leucine with phenylalanine at codon 2686 of the BRCA2 protein (p.Leu2686Phe). The leucine residue is highly conserved and there is a small physicochemical difference between leucine and phenylalanine. This variant disrupts the p.Leu2686 amino acid residue in BRCA2. Other variant(s) that disrupt this residue have been observed in individuals with BRCA2-related conditions (PMID: 26740091, 27062684), suggesting that it is a clinically significant residue. As a result, variants that disrupt this residue are likely to be causative of disease. In summary, the available evidence is currently insufficient to determine the role of this variant in disease. Therefore, it has been classified as a Variant of Uncertain Significance. Algorithms developed to predict the effect of missense changes on protein structure and function are either unavailable or do not agree on the potential impact of this missense change (SIFT: "Deleterious"; PolyPhen-2: "Probably Damaging"; Align-GVGD: "Class C0"). This variant has been observed in an individual affected with ovarian cancer (PMID: 21965345). ClinVar contains an entry for this variant (Variation ID: 52488). This variant is not present in population databases (ExAC no frequency).

ClinVar Staff, National Center for Biotechnology Information (NCBI)
No classification provided. Condition: Familial cancer of breast. Review status: no classification provided. Collection method: literature only. Allele origin: germline. Affected: yes. Not counted in ClinVar's aggregate classification.

Literature cited by the submitters: PubMed 39779848 (cited by Ambry Genetics); PubMed 39779857 (cited by Ambry Genetics); PubMed 21965345 (cited by 3 submitters); PubMed 26740091 (cited by Labcorp Genetics (formerly Invitae), Labcorp); PubMed 27062684 (cited by Labcorp Genetics (formerly Invitae), Labcorp); PubMed 19043619 (cited by ClinVar Staff, National Center for Biotechnology Information (NCBI)).